The following is an entry in ClinVar:

ClinVar aggregate classification (germline): Uncertain significance. Review status: criteria provided, multiple submitters, no conflicts (2 of 4 stars). 2 submissions from 2 submitters: Uncertain significance (2). Last evaluated 2025-05-14.

Conditions:
Inborn genetic diseases. Identifiers: MedGen C0950123, MeSH D030342.

gnomAD v4.1: 25 of 1,591,174 alleles (0.0016%); highest among the groups gnomAD compares: East Asian, 0.0046%; no homozygotes.

Submissions (2):

Ambry Genetics
Classification: Uncertain significance for Inborn genetic diseases. Last evaluated: 2025-05-14. Review status: criteria provided, single submitter. Criteria: Ambry Variant Classification Scheme 2023. Collection method: clinical testing. Allele origin: germline.

Labcorp Genetics (formerly Invitae), Labcorp
Classification: Uncertain significance. Last evaluated: 2024-06-08. Review status: criteria provided, single submitter. Criteria: Invitae Variant Classification Sherloc (09022015). Collection method: clinical testing. Allele origin: germline.
Comment: This sequence change replaces arginine, which is basic and polar, with cysteine, which is neutral and slightly polar, at codon 3194 of the SRCAP protein (p.Arg3194Cys). This variant is present in population databases (rs201229743, gnomAD 0.009%). This variant has not been reported in the literature in individuals affected with SRCAP-related conditions. Advanced modeling of protein sequence and biophysical properties (such as structural, functional, and spatial information, amino acid conservation, physicochemical variation, residue mobility, and thermodynamic stability) performed at Invitae indicates that this missense variant is not expected to disrupt SRCAP protein function with a negative predictive value of 80%. In summary, the available evidence is currently insufficient to determine the role of this variant in disease. Therefore, it has been classified as a Variant of Uncertain Significance.

NM_006662.3(SRCAP):c.9580C>T (p.Arg3194Cys)

Gene: SRCAP (Snf2 related CREBBP activator protein; plus strand). Cytogenetic location: 16p11.2.
Variant type: single nucleotide variant.
Coding change: c.9580C>T on transcript NM_006662.3 (MANE Select); coding-DNA position 9580, C replaced by T.
Protein change: p.Arg3194Cys; replaces arginine 3194 with cysteine.
Molecular consequence: missense variant.
Genome position (GRCh38, 1-based): chr16:30,739,620, C>T. VCF-style: chr16-30739620-C-T. GRCh37 (hg19) VCF-style: chr16-30750941-C-T.
Other names: c.9580C>T (NM_006662.2); short protein forms R3194C.
Identifiers: ClinVar variation 3713997 (VCV003713997.3).
Genomic context (GRCh38, chr16:30,739,620, plus strand): 5'-GCTGAAGCCTCAGGTGAGGAGGAGGAAGGGGATGGGACCCCACGCCGACGTCCTGGCCCC[C>T]GCCGGCTTGTTGGGACCACCAACCAAGGGGACCAGCGCATCCTGCGCAGCAGCGCCCCTC-3'
Protein context (NP_006653.2, residues 3184-3204): DGTPRRRPGP[Arg3194Cys]RLVGTTNQGD